The following is an entry in ClinVar:

ClinVar aggregate classification (germline): Uncertain significance (1 of 4 stars; one submission).

Allele frequency attached by ClinVar (database versions not stated): gnomAD 0.00001; gnomAD exomes 0.00001.

Submission:

Labcorp Genetics (formerly Invitae), Labcorp
Classification: Uncertain significance. Last evaluated: 2021-10-28. Review status: criteria provided, single submitter. Criteria: Invitae Variant Classification Sherloc (09022015). Collection method: clinical testing. Allele origin: germline.
Comment: This sequence change replaces lysine, which is basic and polar, with arginine, which is basic and polar, at codon 125 of the TTPA protein (p.Lys125Arg). This variant is present in population databases (no rsID available, gnomAD 0.004%). This variant has not been reported in the literature in individuals affected with TTPA-related conditions. Algorithms developed to predict the effect of missense changes on protein structure and function are either unavailable or do not agree on the potential impact of this missense change (SIFT: "Deleterious"; PolyPhen-2: "Benign"; Align-GVGD: "Class C25"). In summary, the available evidence is currently insufficient to determine the role of this variant in disease. Therefore, it has been classified as a Variant of Uncertain Significance.

NM_000370.3(TTPA):c.374A>G (p.Lys125Arg)

Gene: TTPA (alpha tocopherol transfer protein; minus strand). Cytogenetic location: 8q12.3.
Variant type: single nucleotide variant.
Coding change: c.374A>G on transcript NM_000370.3 (MANE Select); coding-DNA position 374, A replaced by G.
Protein change: p.Lys125Arg; replaces lysine 125 with arginine.
Molecular consequence: missense variant.
Genome position (GRCh38, 1-based): chr8:63,066,082, T>C on the plus strand (A>G on the coding strand, the complement: TTPA is on the minus strand). VCF-style: chr8-63066082-T-C. GRCh37 (hg19) VCF-style: chr8-63978641-T-C.
Other names: short protein forms K125R.
Identifiers: ClinVar variation 1518658 (VCV001518658.3), dbSNP rs1229885635, ClinGen allele CA371332943.